The following is an entry in ClinVar:

ClinVar aggregate classification (germline): Uncertain significance (1 of 4 stars; one submission).

Conditions:
Supravalvar aortic stenosis (SVAS). Also called: Supravalvar aortic stenosis, Eisenberg type. Identifiers: Orphanet 3193, MedGen C0003499, MONDO:0008504, OMIM 185500, HP:0004381.

Submission:

Labcorp Genetics (formerly Invitae), Labcorp
Classification: Uncertain significance for Supravalvar aortic stenosis. Last evaluated: 2024-09-09. Review status: criteria provided, single submitter. Criteria: Invitae Variant Classification Sherloc (09022015). Collection method: clinical testing. Allele origin: germline.
Comment: This variant, c.1637_1638ins18, results in the insertion of 6 amino acid(s) of the ELN protein (p.Gly547_Ile548ins6), but otherwise preserves the integrity of the reading frame. This variant is not present in population databases (gnomAD no frequency). This variant has not been reported in the literature in individuals affected with ELN-related conditions. Experimental studies and prediction algorithms are not available or were not evaluated, and the functional significance of this variant is currently unknown. In summary, the available evidence is currently insufficient to determine the role of this variant in disease. Therefore, it has been classified as a Variant of Uncertain Significance.

NM_000501.4(ELN):c.1550_1551insTGGCGTTGTCGTGGCTCC (p.Gly518_Ile519insValValValAlaProGly)

Genes: ELN (elastin; plus strand), ELN-AS1 (ELN antisense RNA 1; minus strand). Cytogenetic location: 7q11.23.
Variant type: Insertion.
Coding change: c.1550_1551insTGGCGTTGTCGTGGCTCC on transcript NM_000501.4 (MANE Select); coding-DNA positions 1550 to 1551, TGGCGTTGTCGTGGCTCC inserted.
Protein change: p.Gly518_Ile519insValValValAlaProGly.
Molecular consequence: non-coding transcript variant (on NR_183555.1).
Genome position: GRCh38 VCF-style: chr7-74060012-G-GCGTGGCTCCTGGCGTTGT. GRCh37 (hg19) VCF-style: chr7-73474342-G-GCGTGGCTCCTGGCGTTGT.
Other names: c.1463_1464insTGGCGTTGTCGTGGCTCC, p.Gly489_Ile490insValValValAlaProGly (NM_001081752.3); c.1508_1509insTGGCGTTGTCGTGGCTCC, p.Gly504_Ile505insValValValAlaProGly (NM_001081753.3); c.1565_1566insTGGCGTTGTCGTGGCTCC, p.Gly523_Ile524insValValValAlaProGly (NM_001081754.3); c.1493_1494insTGGCGTTGTCGTGGCTCC, p.Gly499_Ile500insValValValAlaProGly (NM_001081755.3); c.1550_1551insTGGCGTTGTCGTGGCTCC, p.Gly518_Ile519insValValValAlaProGly (NM_001278912.2); c.1307_1308insTGGCGTTGTCGTGGCTCC, p.Gly437_Ile438insValValValAlaProGly (NM_001278913.2); c.1478_1479insTGGCGTTGTCGTGGCTCC, p.Gly494_Ile495insValValValAlaProGly (NM_001278914.2); c.1568_1569insTGGCGTTGTCGTGGCTCC, p.Gly524_Ile525insValValValAlaProGly (NM_001278915.2); and 4 more.
Identifiers: ClinVar variation 3724145 (VCV003724145.2).
Genomic context (GRCh38, chr7:74,060,012, plus strand): 5'-GAGTTGGCTTGGCTCCTGGAGTTGGCGTGGCTCCTGGAGTTGGTGTGGCTCCTGGCGTTG[G>GCGTGGCTCCTGGCGTTGT]CGTGGCTCCCGGCATTGGCCCTGGTGGAGTTGCAGGTGAGTTTCATGAGTCAATGAGCCT-3'